The following is an entry in ClinVar:

NM_000687.4(AHCY):c.97A>G (p.Met33Val)

Gene: AHCY (adenosylhomocysteinase; minus strand). Cytogenetic location: 20q11.22.
Variant type: single nucleotide variant.
Coding change: c.97A>G on transcript NM_000687.4 (MANE Select); coding-DNA position 97, A replaced by G.
Protein change: p.Met33Val; replaces methionine 33 with valine.
Molecular consequence: missense variant.
Genome position (GRCh38, 1-based): chr20:34,295,517, T>C on the plus strand (A>G on the coding strand, the complement: AHCY is on the minus strand). VCF-style: chr20-34295517-T-C. GRCh37 (hg19) VCF-style: chr20-32883323-T-C.
Other names: c.13A>G, p.Met5Val (NM_001161766.2, NM_001322084.2, NM_001322085.2); c.103A>G, p.Met35Val (NM_001322086.2); c.97A>G, p.Met33Val (NM_001362750.2); short protein forms M33V, M5V, M35V.
Identifiers: ClinVar variation 471684 (VCV000471684.7), dbSNP rs1555835400, ClinGen allele CA408660989.

ClinVar aggregate classification (germline): Uncertain significance (1 of 4 stars; one submission).

Conditions:
Hypermethioninemia with deficiency of S-adenosylhomocysteine hydrolase. Identifiers: Orphanet 88618, MedGen C3151058, MONDO:0013404, OMIM 613752.

Allele frequency attached by ClinVar (database versions not stated): gnomAD below 0.00001 and 0.00001; gnomAD exomes below 0.00001.
gnomAD v4.1: 2 of 1,613,952 alleles (0.00012%); highest among the groups gnomAD compares: South Asian, 0.0022%; no homozygotes.

Submission:

Labcorp Genetics (formerly Invitae), Labcorp
Classification: Uncertain significance for Hypermethioninemia with deficiency of S-adenosylhomocysteine hydrolase. Last evaluated: 2018-01-13. Review status: criteria provided, single submitter. Criteria: Invitae Variant Classification Sherloc (09022015). Collection method: clinical testing. Allele origin: germline.
Comment: In summary, this variant is a novel missense change with uncertain impact on protein function. There is no indication that it causes disease, but the available evidence is currently insufficient to prove that conclusively. It has been classified as a Variant of Uncertain Significance. Algorithms developed to predict the effect of missense changes on protein structure and function do not agree on the potential impact of this missense change (SIFT: "Deleterious"; PolyPhen-2: "Benign"; Align-GVGD: "Class C0"). This variant is not present in population databases (ExAC no frequency) and has not been reported in the literature in individuals with a AHCY-related disease. This sequence change replaces methionine with valine at codon 33 of the AHCY protein (p.Met33Val). The methionine residue is highly conserved and there is a small physicochemical difference between methionine and valine.